The following is an entry in ClinVar:

NM_000447.3(PSEN2):c.185G>A (p.Arg62His)

Gene: PSEN2 (presenilin 2; plus strand). Cytogenetic location: 1q42.13.
Variant type: single nucleotide variant.
Coding change: c.185G>A on transcript NM_000447.3 (MANE Select); coding-DNA position 185, G replaced by A.
Protein change: p.Arg62His; replaces arginine 62 with histidine.
Molecular consequence: missense variant.
Genome position (GRCh38, 1-based): chr1:226,883,748, G>A. VCF-style: chr1-226883748-G-A. GRCh37 (hg19) VCF-style: chr1-227071449-G-A.
Other names: NM_000447.2(PSEN2):c.185G>A(p.Arg62His); NM_012486.2(PSEN2):c.185G>A(p.Arg62His); c.185G>A, p.Arg62His (NM_012486.3); short protein forms R62H.
Identifiers: ClinVar variation 97995 (VCV000097995.51), dbSNP rs58973334, ClinGen allele CA224946.
Genomic context (GRCh38, chr1:226,883,748, plus strand): 5'-GATGTGGTTTCCCACAGAGAAGCCAGGAGAACGAGGAGGACGGTGAGGAGGACCCTGACC[G>A]CTATGTCTGTAGTGGGGTTCCCGGGCGGCCGCCAGGCCTGGAGGAAGAGCTGACCCTCAA-3'
Protein context (NP_000438.2, residues 52-72): NEEDGEEDPD[Arg62His]YVCSGVPGRP

ClinVar aggregate classification (germline): Benign/Likely benign. Review status: criteria provided, multiple submitters, no conflicts (2 of 4 stars). 15 submissions from 14 submitters: Benign (6); Likely benign (4). 5 of the submissions do not count toward it. Last evaluated 2026-07-01.

Conditions:
Alzheimer disease. Also called: Presenile and senile dementia; Alzheimer's disease. Identifiers: Orphanet 1020, MedGen C0002395, MeSH D000544, MONDO:0004975, HP:0002511.
Alzheimer disease 4 (AD4). Identifiers: Orphanet 1020, MedGen C1847200, MONDO:0011743, OMIM 606889.
Dilated cardiomyopathy 1V (CMD1V). Identifiers: Orphanet 154, MedGen C3150958, MONDO:0013373, OMIM 613697.

Allele frequency attached by ClinVar (database versions not stated): gnomAD exomes 0.00432 and 0.00861; ExAC 0.00990; TOPMed 0.01365; gnomAD 0.01404 and 0.01433; ESP Exome Variant Server 0.01438; 1000 Genomes Project 30x 0.01733; 1000 Genomes Project 0.01797.

Submissions (15):

CeGaT Center for Human Genetics Tuebingen
Classification: Benign. Last evaluated: 2026-07-01. Review status: criteria provided, single submitter. Criteria: CeGaT Center For Human Genetics Tuebingen Variant Classification Criteria Version 2. Collection method: clinical testing. Allele origin: germline. Affected: yes. Observed: 4 variant alleles.
Comment: PSEN2: BP4, BS1, BS2

Labcorp Genetics (formerly Invitae), Labcorp
Classification: Benign for Alzheimer disease 4. Last evaluated: 2026-01-27. Review status: criteria provided, single submitter. Criteria: Invitae Variant Classification Sherloc (09022015). Collection method: clinical testing. Allele origin: germline.

ARUP Laboratories, Molecular Genetics and Genomics, ARUP Laboratories
Classification: Benign. Last evaluated: 2024-12-09. Review status: criteria provided, single submitter. Criteria: ARUP Molecular Germline Variant Investigation Process 2024. Collection method: clinical testing. Allele origin: germline.

Mayo Clinic Laboratories, Mayo Clinic
Classification: Benign. Last evaluated: 2024-07-05. Review status: criteria provided, single submitter. Criteria: ACMG Guidelines, 2015. Collection method: clinical testing. Allele origin: germline. Observed: 6 variant alleles.
Comment: BS1, BS2, BP4

Athena Diagnostics
Classification: Benign. Last evaluated: 2021-04-24. Review status: criteria provided, single submitter. Criteria: Athena Diagnostics criteria. Collection method: clinical testing. Allele origin: unknown.

SIB Swiss Institute of Bioinformatics
Classification: Likely benign for Alzheimer disease 4. Last evaluated: 2018-05-31. Review status: criteria provided, single submitter. Criteria: ACMG Guidelines, 2015. Collection method: curation. Allele origin: unknown.
Comment: This variant is interpreted as a Likely Benign, for Alzheimer disease 4, in Autosomal Dominant manner. The following ACMG Tag(s) were applied: BS3 => Well-established in vitro or in vivo functional studies show no damaging effect on protein function or splicing (PMID:15663477). BP4 => Multiple lines of computational evidence suggest no impact on gene or gene product (conservation, evolutionary, splicing impact, etc.). BS1-Supporting => BS1 downgraded in strength to supporting.

Illumina Laboratory Services, Illumina
Classification: Likely benign for Dilated cardiomyopathy 1V. Last evaluated: 2017-04-27. Review status: criteria provided, single submitter. Criteria: ICSL Variant Classification Criteria 13 December 2019. Collection method: clinical testing. Allele origin: germline.
Comment: This variant was observed as part of a predisposition screen in an ostensibly healthy population. A literature search was performed for the gene, cDNA change, and amino acid change (where applicable). No publications were found based on this search. Allele frequency data from public databases allowed determination this variant is unlikely to cause disease. Therefore, this variant is classified as likely benign.

Illumina Laboratory Services, Illumina
Classification: Likely benign for Alzheimer disease 4. Last evaluated: 2017-04-27. Review status: criteria provided, single submitter. Criteria: ICSL Variant Classification Criteria 13 December 2019. Collection method: clinical testing. Allele origin: germline.
Comment: This variant was observed as part of a predisposition screen in an ostensibly healthy population. A literature search was performed for the gene, cDNA change, and amino acid change (where applicable). Publications were found based on this search. The evidence from the literature, in combination with allele frequency data from public databases where available, was sufficient to determine this variant is unlikely to cause disease. Therefore, this variant is classified as likely benign.

Biesecker Lab/Clinical Genomics Section, National Institutes of Health
Classification: Benign for Alzheimer disease. Last evaluated: 2013-06-24. Review status: criteria provided, single submitter. Criteria: Ng et al. (Circ Cardiovasc Genet. 2013). Collection method: research. Allele origin: unknown. Observed: 3 variant alleles. Study: ClinSeq.
Comment: The study set was not selected for affection status in relation to any cancer. HGMD phenotype assertion is uncertain. Pathogenicity categories were based on literature curation. See Pubmed ID:23861362 for details.

Medical sequencing

Breakthrough Genomics
Classification: Likely benign. Review status: criteria provided, single submitter. Criteria: ACMG Guidelines, 2015. Collection method: not provided. Allele origin: germline. Inheritance: Autosomal dominant inheritance. Affected: yes.

Clinical Genetics DNA and cytogenetics Diagnostics Lab, Erasmus MC, Erasmus Medical Center
Classification: Benign. Review status: no assertion criteria provided. Collection method: clinical testing. Allele origin: germline. Affected: yes. Study: VKGL Data-share Consensus. Not counted in ClinVar's aggregate classification.

Clinical Genetics, Academic Medical Center
Classification: Benign. Review status: no assertion criteria provided. Collection method: clinical testing. Allele origin: germline. Affected: yes. Study: VKGL Data-share Consensus. Not counted in ClinVar's aggregate classification.

Genome Diagnostics Laboratory, Amsterdam University Medical Center
Classification: Likely benign. Review status: no assertion criteria provided. Collection method: clinical testing. Allele origin: germline. Affected: yes. Study: VKGL Data-share Consensus. Not counted in ClinVar's aggregate classification.

Genome Diagnostics Laboratory, University Medical Center Utrecht
Classification: Benign. Review status: no assertion criteria provided. Collection method: clinical testing. Allele origin: germline. Affected: yes. Study: VKGL Data-share Consensus. Not counted in ClinVar's aggregate classification.

VIB  Department of Molecular Genetics, University of Antwerp
No classification provided. Review status: no classification provided. Collection method: not provided. Allele origin: unknown. Not counted in ClinVar's aggregate classification.

Literature cited by the submitters: PubMed 19768372 (cited by Mayo Clinic Laboratories, Mayo Clinic and Athena Diagnostics); PubMed 21409510 (cited by Mayo Clinic Laboratories, Mayo Clinic and Athena Diagnostics); PubMed 31914229 (cited by Athena Diagnostics); PubMed 32087291 (cited by Athena Diagnostics); PubMed 30279455 (cited by Athena Diagnostics); PubMed 32917274 (cited by Athena Diagnostics); PubMed 32345996 (cited by Athena Diagnostics); PubMed 17914065 (cited by Athena Diagnostics); PubMed 22221884 (cited by Athena Diagnostics); PubMed 25604855 (cited by Athena Diagnostics); PubMed 25937274 (cited by Athena Diagnostics); PubMed 22475797 (cited by Athena Diagnostics); PubMed 26159191 (cited by Athena Diagnostics); PubMed 23383383 (cited by Athena Diagnostics); PubMed 26410308 (cited by Athena Diagnostics); PubMed 16474849 (cited by Athena Diagnostics and Illumina Laboratory Services, Illumina); PubMed 18667258 (cited by Athena Diagnostics and Illumina Laboratory Services, Illumina); PubMed 20194882 (cited by Athena Diagnostics); PubMed 9384602 (cited by Athena Diagnostics and Illumina Laboratory Services, Illumina); PubMed 23990795 (cited by Athena Diagnostics); PubMed 22312439 (cited by Athena Diagnostics and Illumina Laboratory Services, Illumina); PubMed 15663477 (cited by 3 submitters); PubMed 15130954 (cited by Athena Diagnostics); PubMed 22503161 (cited by Athena Diagnostics); PubMed 25104557 (cited by Athena Diagnostics).